The following is an entry in ClinVar:

ClinVar aggregate classification (germline): Uncertain significance (1 of 4 stars; one submission).

Conditions:
Agammaglobulinemia 6, autosomal recessive (AGM6). Also called: AGAMMAGLOBULINEMIA 6; AGAMMAGLOBULINEMIA, AUTOSOMAL RECESSIVE, DUE TO CD79B DEFECT. Identifiers: MedGen C3150207, MONDO:0012987, OMIM 612692.

Submission:

Labcorp Genetics (formerly Invitae), Labcorp
Classification: Uncertain significance for Agammaglobulinemia 6, autosomal recessive. Last evaluated: 2022-08-16. Review status: criteria provided, single submitter. Criteria: Invitae Variant Classification Sherloc (09022015). Collection method: clinical testing. Allele origin: germline.
Comment: Experimental studies and prediction algorithms are not available or were not evaluated, and the functional significance of this variant is currently unknown. In summary, the available evidence is currently insufficient to determine the role of this variant in disease. Therefore, it has been classified as a Variant of Uncertain Significance. This variant has not been reported in the literature in individuals affected with CD79B-related conditions. This variant is present in population databases (rs780720849, gnomAD 0.007%). This variant, c.96_98del, results in the deletion of 1 amino acid(s) of the CD79B protein (p.Glu32del), but otherwise preserves the integrity of the reading frame.

NM_000626.4(CD79B):c.93GGA[1] (p.Glu32del)

Genes: CD79B (CD79b molecule; minus strand), GH-LCR (growth hormone locus control region; plus strand). Cytogenetic location: 17q23.3.
Variant type: Microsatellite.
Coding change: c.93GGA[1] on transcript NM_000626.4 (MANE Select); one copy of the 3-base unit GGA starting at c.93; the reference has two copies in a row; one copy, 3 bases deleted.
Protein change: p.Glu32del; deletes glutamic acid 32.
Molecular consequence: inframe deletion.
Genome position (GRCh38, 1-based): chr17:63,931,355-63,931,357, TCC deleted on the plus strand (GGA on the coding strand, the reverse complement: CD79B is on the minus strand); deleting any 3 consecutive bases within chr17:63,931,355-63,931,360 gives the same sequence; the position shown is the placement nearest the transcript's 3' end. VCF-style (leftmost placement, unchanged base first): chr17-63931354-GTCC-G. GRCh37 (hg19) VCF-style: chr17-62008714-GTCC-G.
Other names: c.96GGA[1], p.Glu33del (NM_001039933.3, NM_001329050.2); c.93GGA[1], p.Glu32del (NM_021602.4); short protein forms E32del, E33del.
Identifiers: ClinVar variation 1038551 (VCV001038551.10), dbSNP rs780720849, ClinGen allele CA8708653.
Genomic context (GRCh38, chr17:63,931,354, plus strand): 5'-CACACAACTTGCCCTCAGAAGCGGCAGGCGAGGCTACTGACCTTTGGGATTCCGGTACCG[GTCC>G]TCCGATCTGGCTGCTGGTACTGGCTCAGCTGCTGGGTGGGAGGAAGTGGGCGGGGCCAGT-3'